The following is an entry in ClinVar:

NM_006949.4(STXBP2):c.982C>T (p.Gln328Ter)

Gene: STXBP2 (syntaxin binding protein 2; plus strand). Cytogenetic location: 19p13.2.
Variant type: single nucleotide variant.
Coding change: c.982C>T on transcript NM_006949.4 (MANE Select); coding-DNA position 982, C replaced by T.
Protein change: p.Gln328Ter; replaces glutamine 328 with a stop codon.
Molecular consequence: nonsense. On other transcripts: non-coding transcript variant (1).
Genome position (GRCh38, 1-based): chr19:7,643,004, C>T. VCF-style: chr19-7643004-C-T. GRCh37 (hg19) VCF-style: chr19-7707890-C-T.
Other names: c.973C>T, p.Gln325Ter (NM_001127396.3); c.1015C>T, p.Gln339Ter (NM_001272034.2); short protein forms Q328*, Q325*, Q339*.
Identifiers: ClinVar variation 1385750 (VCV001385750.6), dbSNP rs2146220482, ClinGen allele CA403160494.

ClinVar aggregate classification (germline): Pathogenic (1 of 4 stars; one submission).

Conditions:
Familial hemophagocytic lymphohistiocytosis 5. Also called: STXBP2-Related Familial Hemophagocytic Lymphohistiocytosis (STXBP2-fHLH). Identifiers: Orphanet 540, MedGen C2751293, MONDO:0013135, OMIM 613101.

Submission:

Labcorp Genetics (formerly Invitae), Labcorp
Classification: Pathogenic for Familial hemophagocytic lymphohistiocytosis 5. Last evaluated: 2021-04-08. Review status: criteria provided, single submitter. Criteria: Invitae Variant Classification Sherloc (09022015). Collection method: clinical testing. Allele origin: germline.
Comment: For these reasons, this variant has been classified as Pathogenic. This variant has not been reported in the literature in individuals with STXBP2-related conditions. This variant is not present in population databases (ExAC no frequency). This sequence change creates a premature translational stop signal (p.Gln328*) in the STXBP2 gene. It is expected to result in an absent or disrupted protein product. Loss-of-function variants in STXBP2 are known to be pathogenic (PMID: 19804848, 22451424).

Literature cited by the submitters: PubMed 19804848; PubMed 22451424.